The following is an entry in ClinVar:

ClinVar aggregate classification (germline): Uncertain significance. Review status: criteria provided, multiple submitters, no conflicts (2 of 4 stars). 6 submissions from 5 submitters: Uncertain significance (6). Last evaluated 2025-10-26.

Conditions:
Deafness-lymphedema-leukemia syndrome. Also called: Emberger syndrome; Lymphedema, primary, with myelodysplasia. Identifiers: Orphanet 3226, MedGen C3279664, MONDO:0013540, OMIM 614038.
Monocytopenia with susceptibility to infections. Also called: IMMUNODEFICIENCY 21; GATA2 DEFICIENCY; MONOCYTOPENIA AND MYCOBACTERIAL INFECTION SYNDROME; MONOCYTOPENIA WITH SUSCEPTIBILITY TO MYCOBACTERIAL, FUNGAL, AND PAPILLOMAVIRUS INFECTIONS AND MYELODYSPLASIA; COMBINED IMMUNODEFICIENCY WITH SUSCEPTIBILITY TO MYCOBACTERIAL, VIRAL, AND FUNGAL INFECTIONS; Dendritic cell, monocyte, B lymphocyte, and natural killer lymphocyte deficiency. Identifiers: Orphanet 228423, MedGen C3280030, MONDO:0013607, OMIM 614172.
Inborn genetic diseases. Identifiers: MedGen C0950123, MeSH D030342.
Acute myeloid leukemia (AML). Also called: Leukemia, acute myeloid, somatic; Leukemia, acute myelogenous, somatic; Acute myeloid leukemia, adult; AML adult; Acute non-lymphocytic leukemia; Acute granulocytic leukemia. Identifiers: Orphanet 519, MedGen C0023467, MeSH D015470, MONDO:0018874, OMIM 601626, HP:0004808. Disease mechanism: Constitutively activated FLT3.

Allele frequency attached by ClinVar (database versions not stated): gnomAD exomes 0.00001 and 0.00004; TOPMed 0.00001; gnomAD 0.00002; ExAC 0.00003; ESP Exome Variant Server 0.00008.
gnomAD v4.1: 69 of 1,612,190 alleles (0.0043%); highest among the groups gnomAD compares: Non-Finnish European, 0.0053%; no homozygotes.

Submissions (6):

Labcorp Genetics (formerly Invitae), Labcorp
Classification: Uncertain significance for Monocytopenia with susceptibility to infections; Deafness-lymphedema-leukemia syndrome. Last evaluated: 2025-10-26. Review status: criteria provided, single submitter. Criteria: Invitae Variant Classification Sherloc (09022015). Collection method: clinical testing. Allele origin: germline.
Comment: This sequence change replaces tyrosine, which is neutral and polar, with cysteine, which is neutral and slightly polar, at codon 59 of the GATA2 protein (p.Tyr59Cys). This variant is present in population databases (rs140047487, gnomAD 0.002%). This variant has not been reported in the literature in individuals affected with GATA2-related conditions. ClinVar contains an entry for this variant (Variation ID: 472450). Invitae Evidence Modeling of protein sequence and biophysical properties (such as structural, functional, and spatial information, amino acid conservation, physicochemical variation, residue mobility, and thermodynamic stability) has been performed for this missense variant. However, the output from this modeling did not meet the statistical confidence thresholds required to predict the impact of this variant on GATA2 protein function. In summary, the available evidence is currently insufficient to determine the role of this variant in disease. Therefore, it has been classified as a Variant of Uncertain Significance.

Ambry Genetics
Classification: Uncertain significance for Inborn genetic diseases. Last evaluated: 2024-12-16. Review status: criteria provided, single submitter. Criteria: Ambry Variant Classification Scheme 2023. Collection method: clinical testing. Allele origin: germline.
Comment: The p.Y59C variant (also known as c.176A>G), located in coding exon 1 of the GATA2 gene, results from an A to G substitution at nucleotide position 176. The tyrosine at codon 59 is replaced by cysteine, an amino acid with highly dissimilar properties. This amino acid position is highly conserved in available vertebrate species. In addition, this alteration is predicted to be deleterious by in silico analysis. Based on the available evidence, the clinical significance of this variant remains unclear.

ARUP Laboratories, Molecular Genetics and Genomics, ARUP Laboratories
Classification: Uncertain significance. Last evaluated: 2024-10-16. Review status: criteria provided, single submitter. Criteria: ARUP Molecular Germline Variant Investigation Process 2024. Collection method: clinical testing. Allele origin: germline.
Comment: The GATA2 c.176A>G; p.Tyr59Cys variant (rs140047487), to our knowledge, is not reported in the medical literature but is reported in ClinVar (Variation ID: 472450). This variant is found in the general population with an overall allele frequency of 0.001% (3/243,818 alleles) in the Genome Aggregation Database (v2.1.1). Computational analyses predict that this variant is deleterious (REVEL: 0.947). Due to limited information, the clinical significance of this variant is uncertain at this time.

Baylor Genetics
Classification: Uncertain significance for Acute myeloid leukemia. Last evaluated: 2023-08-13. Review status: criteria provided, single submitter. Criteria: ACMG Guidelines, 2015. Collection method: clinical testing. Allele origin: unknown.

GeneDx
Classification: Uncertain significance. Last evaluated: 2023-07-06. Review status: criteria provided, single submitter. Criteria: GeneDx Variant Classification Process June 2021. Collection method: clinical testing. Allele origin: germline. Affected: yes.
Comment: Not observed at significant frequency in large population cohorts (gnomAD); In silico analysis supports that this missense variant has a deleterious effect on protein structure/function; Has not been previously published as pathogenic or benign to our knowledge

Baylor Genetics
Classification: Uncertain significance for Monocytopenia with susceptibility to infections. Last evaluated: 2020-07-15. Review status: criteria provided, single submitter. Criteria: ACMG Guidelines, 2015. Collection method: clinical testing. Allele origin: unknown. Affected: yes.
Comment: This variant was determined to be of uncertain significance according to ACMG Guidelines, 2015 [PMID:25741868].

NM_032638.5(GATA2):c.176A>G (p.Tyr59Cys)

Gene: GATA2 (GATA binding protein 2; minus strand). Cytogenetic location: 3q21.3.
Variant type: single nucleotide variant.
Coding change: c.176A>G on transcript NM_032638.5 (MANE Select); coding-DNA position 176, A replaced by G.
Protein change: p.Tyr59Cys; replaces tyrosine 59 with cysteine.
Molecular consequence: missense variant.
Genome position (GRCh38, 1-based): chr3:128,486,856, T>C on the plus strand (A>G on the coding strand, the complement: GATA2 is on the minus strand). VCF-style: chr3-128486856-T-C. GRCh37 (hg19) VCF-style: chr3-128205699-T-C.
Other names: c.176A>G, p.Tyr59Cys (NM_001145661.2, NM_001145662.1); short protein forms Y59C.
Identifiers: ClinVar variation 472450 (VCV000472450.14), dbSNP rs140047487, ClinGen allele CA2600092.
Genomic context (GRCh38, chr3:128,486,856, plus strand): 5'-TGCTCACCGTGCGCGGGGCTGTAGGAGACGCGCGCCCGCGCGTGAGCGGGGTTGGCATAG[T>C]AGGGGTTGCCCTGCGAGTCGAGGTGATTGAAGAAGACGTCCACCTCGTCTGGAGGCAGCA-3'
Protein context (NP_116027.2, residues 49-69): FNHLDSQGNP[Tyr59Cys]YANPAHARAR